The following is an entry in ClinVar:

NM_001374353.1(GLI2):c.3254C>G (p.Pro1085Arg)

Gene: GLI2 (GLI family zinc finger 2; plus strand). Cytogenetic location: 2q14.2.
Variant type: single nucleotide variant.
Coding change: c.3254C>G on transcript NM_001374353.1 (MANE Select); coding-DNA position 3254, C replaced by G.
Protein change: p.Pro1085Arg; replaces proline 1085 with arginine.
Molecular consequence: missense variant.
Genome position (GRCh38, 1-based): chr2:120,989,219, C>G. VCF-style: chr2-120989219-C-G. GRCh37 (hg19) VCF-style: chr2-121746795-C-G.
Other names: c.3305C>G, p.Pro1102Arg (NM_001371271.1, NM_005270.5); c.2879C>G, p.Pro960Arg (NM_001374354.1); short protein forms P1085R, P1102R, P960R.
Identifiers: ClinVar variation 4264118 (VCV004264118.2).

ClinVar aggregate classification (germline): Uncertain significance. Review status: criteria provided, multiple submitters, no conflicts (2 of 4 stars). 2 submissions from 2 submitters: Uncertain significance (2). Last evaluated 2026-06-03.

Conditions:
Inborn genetic diseases. Identifiers: MedGen C0950123, MeSH D030342.

gnomAD v4.1: 59 of 1,613,060 alleles (0.0037%); highest among the groups gnomAD compares: Non-Finnish European, 0.0048%; no homozygotes.

Submissions (2):

Women's Health and Genetics/Laboratory Corporation of America, LabCorp
Classification: Uncertain significance. Last evaluated: 2026-06-03. Review status: criteria provided, single submitter. Criteria: LabCorp Variant Classification Summary - May 2015. Collection method: clinical testing. Allele origin: germline.
Comment: Variant summary: GLI2 c.3305C>G (p.Pro1102Arg) results in a non-conservative amino acid change in the encoded protein sequence. Algorithms developed to predict the effect of missense changes on protein structure and function are either unavailable or do not agree on the potential impact of this missense change. The variant allele was found at a frequency of 1.2e-05 in 248496 control chromosomes. The available data on variant occurrences in the general population are insufficient to allow any conclusion about variant significance. To our knowledge, no occurrence of c.3305C>G in individuals affected with GLI2-related conditions and no experimental evidence demonstrating its impact on protein function have been reported. ClinVar contains an entry for this variant (Variation ID: 4264118). Based on the evidence outlined above, the variant was classified as uncertain significance.

Ambry Genetics
Classification: Uncertain significance for Inborn genetic diseases. Last evaluated: 2025-08-25. Review status: criteria provided, single submitter. Criteria: Ambry Variant Classification Scheme 2023. Collection method: clinical testing. Allele origin: germline.